The following is an entry in ClinVar:

ClinVar aggregate classification (germline): Uncertain significance. Review status: reviewed by expert panel (3 of 4 stars). 3 submissions from 3 submitters: Uncertain significance (1). 2 of the submissions do not count toward it. Last evaluated 2023-11-02.

Conditions:
Glanzmann thrombasthenia 2. Also called: BLEEDING DISORDER, PLATELET-TYPE, 23. Identifiers: MedGen C5543273, MONDO:0031009, OMIM 619267.
Bleeding disorder, platelet-type, 24. Also called: GLANZMANN THROMBASTHENIA-LIKE WITH MACROTHROMBOCYTOPENIA 2. Identifiers: MedGen C5543280, MONDO:0030996, OMIM 619271.
Myocardial infarction, susceptibility to. Identifiers: MedGen C1832662, MONDO:0012039, OMIM 608446.
Glanzmann thrombasthenia. Also called: Glanzmann's thrombasthenia; PLATELET GLYCOPROTEIN IIb-IIIa DEFICIENCY; BLEEDING DISORDER, PLATELET-TYPE, 2; THROMBASTHENIA OF GLANZMANN AND NAEGELI; Thrombasthenia. Identifiers: Orphanet 849, MedGen C0040015, MONDO:0100326.

Allele frequency attached by ClinVar (database versions not stated): ExAC 0.00002; gnomAD exomes 0.00002; gnomAD 0.00005; ESP Exome Variant Server 0.00008; TOPMed 0.00009.
gnomAD v4.1: 32 of 1,614,032 alleles (0.002%); highest among the groups gnomAD compares: African/African-American, 0.015%; no homozygotes.

Submissions (3):

ClinGen Platelet Disorders Variant Curation Expert Panel, ClinGen
Classification: Uncertain significance for Glanzmann thrombasthenia. Last evaluated: 2023-11-02. Review status: reviewed by expert panel. Criteria: ClinGen Platelet ACMG Specifications v2-1. Collection method: curation. Allele origin: germline. Inheritance: Autosomal recessive inheritance.
Comment: The NM_000212.3(ITGB3):c.356G>A variant predicts a missense change, Arg119Gln. It is reported at a frequency of 0.0001468 (11/74914 alleles) in the gnomAD v4.0.0 African/African-American population, above the <0.0001 threshold for PM2_Supporting. At least 4 GT patients (homozygous and compound heterozygous) with the variant have been reported in the literature (PMIDs: 19691478, 16463284, 25728920). The proband from PMID: 25728920 meets criteria for PP4_Strong including bleeding phenotype, abnormal platelet aggregation in response to >2 agonists and normal aggregation to ristocetin, reduced αIIbβ3 integrin expression on flow cytometry and full sequencing of ITGA2B and ITGB3 both genes. The variant has a REVEL score of 0.936, meeting criteria for PP3 (threshold: >0.7). In summary, there is insufficient evidence at this time to classify the Arg119Gln variant. GT-specific criteria met: PP3, PP4_strong.

Labcorp Genetics (formerly Invitae), Labcorp
Classification: Pathogenic. Last evaluated: 2025-12-08. Review status: criteria provided, single submitter. Criteria: Invitae Variant Classification Sherloc (09022015). Collection method: clinical testing. Allele origin: germline. Not counted in ClinVar's aggregate classification.
Comment: This sequence change replaces arginine, which is basic and polar, with glutamine, which is neutral and polar, at codon 119 of the ITGB3 protein (p.Arg119Gln). This variant is present in population databases (rs147782061, gnomAD 0.03%). This missense change has been observed in individuals with autosomal recessive Glanzmann thrombasthenia (PMID: 16463284, 19691478, 25728920). ClinVar contains an entry for this variant (Variation ID: 996208). Invitae Evidence Modeling of protein sequence and biophysical properties (such as structural, functional, and spatial information, amino acid conservation, physicochemical variation, residue mobility, and thermodynamic stability) indicates that this missense variant is expected to disrupt ITGB3 protein function with a positive predictive value of 95%. For these reasons, this variant has been classified as Pathogenic.

Fulgent Genetics
Classification: Likely pathogenic for Myocardial infarction, susceptibility to; Glanzmann thrombasthenia 2; Bleeding disorder, platelet-type, 24. Last evaluated: 2024-04-18. Review status: criteria provided, single submitter. Criteria: ACMG Guidelines, 2015. Collection method: clinical testing. Allele origin: germline. Not counted in ClinVar's aggregate classification.

Literature cited by the submitters: PubMed 16463284 (cited by Labcorp Genetics (formerly Invitae), Labcorp); PubMed 19691478 (cited by Labcorp Genetics (formerly Invitae), Labcorp); PubMed 25728920 (cited by Labcorp Genetics (formerly Invitae), Labcorp).

NM_000212.3(ITGB3):c.356G>A (p.Arg119Gln)

Gene: ITGB3 (integrin subunit beta 3; plus strand). Cytogenetic location: 17q21.32.
Variant type: single nucleotide variant.
Coding change: c.356G>A on transcript NM_000212.3 (MANE Select); coding-DNA position 356, G replaced by A.
Protein change: p.Arg119Gln; replaces arginine 119 with glutamine.
Molecular consequence: missense variant.
Genome position (GRCh38, 1-based): chr17:47,283,544, G>A. VCF-style: chr17-47283544-G-A. GRCh37 (hg19) VCF-style: chr17-45360910-G-A.
Other names: short protein forms R119Q.
Identifiers: ClinVar variation 996208 (VCV000996208.13), dbSNP rs147782061, ClinGen allele CA8622925.
Genomic context (GRCh38, chr17:47,283,544, plus strand): 5'-GCTCTGGAGACAGCTCCCAGGTCACTCAAGTCAGTCCCCAGAGGATTGCACTCCGGCTCC[G>A]GCCAGGTAGGGCTGGGACTCTTTGCGGGGAGAGACCTGAAGCAGGTGGGCATAGAGCACA-3'
Protein context (NP_000203.2, residues 109-129): VSPQRIALRL[Arg119Gln]PDDSKNFSIQ